The following is an entry in ClinVar:

NM_000182.5(HADHA):c.1393-194G>A

Genes: HADHA (hydroxyacyl-CoA dehydrogenase trifunctional multienzyme complex subunit alpha; minus strand), GAREM2 (GRB2 associated regulator of MAPK1 subtype 2; plus strand). Cytogenetic location: 2p23.3.
Variant type: single nucleotide variant.
Coding change: c.1393-194G>A on transcript NM_000182.5 (MANE Select); 194 bases into the intron before coding-DNA position 1393, G replaced by A.
Molecular consequence: intron variant.
Genome position (GRCh38, 1-based): chr2:26,197,971, C>T on the plus strand (G>A on the coding strand, the complement: HADHA is on the minus strand). VCF-style: chr2-26197971-C-T. GRCh37 (hg19) VCF-style: chr2-26420840-C-T.
Identifiers: ClinVar variation 679578 (VCV000679578.1), dbSNP rs79286973, ClinGen allele CA44382018.
Genomic context (GRCh38, chr2:26,197,971, plus strand): 5'-CACCCAGACATTGACGGATCACCTAGGGGGTTTTGTGTCGGGGAATATGTTGACCTTGTT[C>T]CTTTTCCCATTCTGCCTTCCTCTAGTTATGGCCCATCATAAGGTCACCTTATCCTGACCT-3'

ClinVar aggregate classification (germline): Benign (1 of 4 stars; one submission).

Allele frequency attached by ClinVar (database versions not stated): gnomAD 0.01822 and 0.01936; 1000 Genomes Project 0.02117; TOPMed 0.02164; 1000 Genomes Project 30x 0.02171.
gnomAD v4.1: 2,748 of 152,280 alleles (1.8%); highest among the groups gnomAD compares: African/African-American, 6.1%; 84 homozygotes.

Submission:

GeneDx
Classification: Benign. Last evaluated: 2018-06-16. Review status: criteria provided, single submitter. Criteria: GeneDx Variant Classification (06012015). Collection method: clinical testing. Allele origin: germline. Affected: yes.
Comment: This variant is considered likely benign or benign based on one or more of the following criteria: it is a conservative change, it occurs at a poorly conserved position in the protein, it is predicted to be benign by multiple in silico algorithms, and/or has population frequency not consistent with disease.